The following is an entry in ClinVar:

NM_053025.4(MYLK):c.2188G>C (p.Val730Leu)

Gene: MYLK (myosin light chain kinase; minus strand). Cytogenetic location: 3q21.1.
Variant type: single nucleotide variant.
Coding change: c.2188G>C on transcript NM_053025.4 (MANE Select); coding-DNA position 2188, G replaced by C.
Protein change: p.Val730Leu; replaces valine 730 with leucine.
Molecular consequence: missense variant.
Genome position (GRCh38, 1-based): chr3:123,707,956, C>G on the plus strand (G>C on the coding strand, the complement: MYLK is on the minus strand). VCF-style: chr3-123707956-C-G. GRCh37 (hg19) VCF-style: chr3-123426803-C-G.
Other names: c.1660G>C, p.Val554Leu (NM_001321309.2); c.1981G>C, p.Val661Leu (NM_053026.4, NM_053028.4); c.2188G>C, p.Val730Leu (NM_053027.4); short protein forms V730L, V554L, V661L.
Identifiers: ClinVar variation 936761 (VCV000936761.9), dbSNP rs2061526429, ClinGen allele CA354234082.

ClinVar aggregate classification (germline): Uncertain significance (1 of 4 stars; one submission).

Conditions:
Aortic aneurysm, familial thoracic 7 (AAT7). Also called: AORTIC DISSECTION, FAMILIAL, WITH OR WITHOUT AORTIC ANEURYSM. Identifiers: MedGen C3151077, MONDO:0013418, OMIM 613780.

Submission:

Labcorp Genetics (formerly Invitae), Labcorp
Classification: Uncertain significance for Aortic aneurysm, familial thoracic 7. Last evaluated: 2021-03-07. Review status: criteria provided, single submitter. Criteria: Invitae Variant Classification Sherloc (09022015). Collection method: clinical testing. Allele origin: germline.
Comment: Algorithms developed to predict the effect of missense changes on protein structure and function (SIFT, PolyPhen-2, Align-GVGD) all suggest that this variant is likely to be tolerated, but these predictions have not been confirmed by published functional studies and their clinical significance is uncertain. This variant has not been reported in the literature in individuals with MYLK-related conditions. This variant is not present in population databases (ExAC no frequency). This sequence change replaces valine with leucine at codon 730 of the MYLK protein (p.Val730Leu). The valine residue is highly conserved and there is a small physicochemical difference between valine and leucine. In summary, the available evidence is currently insufficient to determine the role of this variant in disease. Therefore, it has been classified as a Variant of Uncertain Significance.